The following is an entry in ClinVar:

NM_001197104.2(KMT2A):c.172C>T (p.Pro58Ser)

Gene: KMT2A (lysine methyltransferase 2A; plus strand). Cytogenetic location: 11q23.3.
Variant type: single nucleotide variant.
Coding change: c.172C>T on transcript NM_001197104.2 (MANE Select); coding-DNA position 172, C replaced by T.
Protein change: p.Pro58Ser; replaces proline 58 with serine.
Molecular consequence: missense variant.
Genome position (GRCh38, 1-based): chr11:118,436,684, C>T. VCF-style: chr11-118436684-C-T. GRCh37 (hg19) VCF-style: chr11-118307399-C-T.
Other names: c.172C>T, p.Pro58Ser (NM_005933.4); short protein forms P58S.
Identifiers: ClinVar variation 1494166 (VCV001494166.33), dbSNP rs1217431375, ClinGen allele CA382797402.
Genomic context (GRCh38, chr11:118,436,684, plus strand): 5'-CTGCTGCTTCCCCCCGGGCCCCCGGTCGGCGGTGGCGGCCCCGGGGCGCCCCCCTCCCCC[C>T]CGGCTGTGGCGGCCGCGGCGGCGGCGGCGGGAAGCAGCGGGGCTGGGGTTCCAGGGGGAG-3'
Protein context (NP_001184033.1, residues 48-68): GGGPGAPPSP[Pro58Ser]AVAAAAAAAG

ClinVar aggregate classification (germline): Uncertain significance. Review status: criteria provided, multiple submitters, no conflicts (2 of 4 stars). 3 submissions from 3 submitters: Uncertain significance (3). Last evaluated 2026-01-06.

Conditions:
Wiedemann-Steiner syndrome (WDSTS). Also called: Growth deficiency and mental retardation with facial dysmorphism. Identifiers: Orphanet 319182, MedGen C1854630, MONDO:0011518, OMIM 605130.

Allele frequency attached by ClinVar (database versions not stated): gnomAD 0.00001.

Submissions (3):

Dasa
Classification: Uncertain significance for Wiedemann-Steiner syndrome. Last evaluated: 2026-01-06. Review status: criteria provided, single submitter. Criteria: DASA Assertion Criteria. Collection method: clinical testing. Allele origin: germline.
Comment: NM_001197104.2(KMT2A):c.172C>T (p.Pro58Ser) is a missense variant that results in the substitution of proline with serine. This variant is rare in population databases. Computational prediction algorithms are consistent with a benign effect. The currently available literature and clinical evidence are not sufficient to establish a definitive association between this variant and the reported condition. Therefore, this variant is classified as a variant of uncertain significance.

Labcorp Genetics (formerly Invitae), Labcorp
Classification: Uncertain significance. Last evaluated: 2023-10-17. Review status: criteria provided, single submitter. Criteria: Invitae Variant Classification Sherloc (09022015). Collection method: clinical testing. Allele origin: germline.
Comment: This sequence change replaces proline, which is neutral and non-polar, with serine, which is neutral and polar, at codon 58 of the KMT2A protein (p.Pro58Ser). This variant is not present in population databases (gnomAD no frequency). This variant has not been reported in the literature in individuals affected with KMT2A-related conditions. ClinVar contains an entry for this variant (Variation ID: 1494166). Advanced modeling of protein sequence and biophysical properties (such as structural, functional, and spatial information, amino acid conservation, physicochemical variation, residue mobility, and thermodynamic stability) has been performed at Invitae for this missense variant, however the output from this modeling did not meet the statistical confidence thresholds required to predict the impact of this variant on KMT2A protein function. In summary, the available evidence is currently insufficient to determine the role of this variant in disease. Therefore, it has been classified as a Variant of Uncertain Significance.

CeGaT Center for Human Genetics Tuebingen
Classification: Uncertain significance. Last evaluated: 2023-04-01. Review status: criteria provided, single submitter. Criteria: CeGaT Center For Human Genetics Tuebingen Variant Classification Criteria Version 2. Collection method: clinical testing. Allele origin: germline. Affected: yes. Observed: 1 variant allele.